The following is an entry in ClinVar:

ClinVar aggregate classification (germline): Uncertain significance (1 of 4 stars; one submission).

Submission:

GeneDx
Classification: Uncertain significance. Last evaluated: 2026-02-23. Review status: criteria provided, single submitter. Criteria: GeneDx Variant Classification Process June 2021. Collection method: clinical testing. Allele origin: germline.
Comment: Not observed at significant frequency in large population cohorts (gnomAD); In silico analysis supports that this missense variant has a deleterious effect on protein structure/function; Has not been previously published as pathogenic or benign to our knowledge

NM_001127222.2(CACNA1A):c.4351A>G (p.Thr1451Ala)

Gene: CACNA1A (calcium voltage-gated channel subunit alpha1 A; minus strand). Cytogenetic location: 19p13.13.
Variant type: single nucleotide variant.
Coding change: c.4351A>G on transcript NM_001127222.2 (MANE Select); coding-DNA position 4351, A replaced by G.
Protein change: p.Thr1451Ala; replaces threonine 1451 with alanine.
Molecular consequence: missense variant.
Genome position (GRCh38, 1-based): chr19:13,259,601, T>C on the plus strand (A>G on the coding strand, the complement: CACNA1A is on the minus strand). VCF-style: chr19-13259601-T-C. GRCh37 (hg19) VCF-style: chr19-13370415-T-C.
Other names: c.4363A>G, p.Thr1455Ala (NM_000068.4, NM_023035.3); c.4354A>G, p.Thr1452Ala (NM_001127221.2, NM_001174080.2); short protein forms T1451A, T1452A, T1455A.
Identifiers: ClinVar variation 4975197 (VCV004975197.1).